The following is an entry in ClinVar:

NM_000179.3(MSH6):c.3977T>G (p.Met1326Arg)

Gene: MSH6 (mutS homolog 6; plus strand). Cytogenetic location: 2p16.3.
Variant type: single nucleotide variant.
Coding change: c.3977T>G on transcript NM_000179.3 (MANE Select); coding-DNA position 3977, T replaced by G.
Protein change: p.Met1326Arg; replaces methionine 1326 with arginine.
Molecular consequence: missense variant.
Genome position (GRCh38, 1-based): chr2:47,806,627, T>G. VCF-style: chr2-47806627-T-G. GRCh37 (hg19) VCF-style: chr2-48033766-T-G.
Other names: c.3587T>G, p.Met1196Arg (NM_001281492.2); c.3071T>G, p.Met1024Arg (NM_001281493.2, NM_001281494.2); short protein forms M1326R, M1024R, M1196R.
Identifiers: ClinVar variation 455312 (VCV000455312.26), dbSNP rs757089977, ClinGen allele CA346761572.

ClinVar aggregate classification (germline): Conflicting classifications of pathogenicity. Review status: criteria provided, conflicting classifications (1 of 4 stars). 5 submissions from 5 submitters: Uncertain significance (4); Benign (1). Last evaluated 2025-09-10.

Conditions:
Hereditary nonpolyposis colorectal neoplasms. Identifiers: MedGen C0009405, MeSH D003123.
Hereditary cancer-predisposing syndrome. Also called: Hereditary Cancer Syndrome; Hereditary neoplastic syndrome; Neoplastic Syndromes, Hereditary; Tumor predisposition. Identifiers: Orphanet 140162, MedGen C0027672, MeSH D009386, MONDO:0015356.
Lynch syndrome. Identifiers: Orphanet 144, MedGen C4552100, MONDO:0005835. Disease mechanism: loss of function.

Submissions (5):

Labcorp Genetics (formerly Invitae), Labcorp
Classification: Benign for Hereditary nonpolyposis colorectal neoplasms. Last evaluated: 2025-09-10. Review status: criteria provided, single submitter. Criteria: Invitae Variant Classification Sherloc (09022015). Collection method: clinical testing. Allele origin: germline.

Color Diagnostics, LLC DBA Color Health
Classification: Uncertain significance for Hereditary cancer-predisposing syndrome. Last evaluated: 2025-07-10. Review status: criteria provided, single submitter. Criteria: ACMG Guidelines, 2015. Collection method: clinical testing. Allele origin: germline.
Comment: This missense variant replaces methionine with arginine at codon 1326 of the MSH6 protein. Computational prediction suggests that this variant may not impact protein structure and function. To our knowledge, functional studies have not been reported for this variant. This variant has not been reported in individuals affected with MSH6-related disorders in the literature. This variant has not been identified in the general population by the Genome Aggregation Database (gnomAD). The available evidence is insufficient to determine the role of this variant in disease conclusively. Therefore, this variant is classified as a Variant of Uncertain Significance.

Ambry Genetics
Classification: Uncertain significance for Hereditary cancer-predisposing syndrome. Last evaluated: 2025-04-22. Review status: criteria provided, single submitter. Criteria: Ambry Variant Classification Scheme 2023. Collection method: clinical testing. Allele origin: germline.
Comment: The p.M1326R variant (also known as c.3977T>G), located in coding exon 9 of the MSH6 gene, results from a T to G substitution at nucleotide position 3977. The methionine at codon 1326 is replaced by arginine, an amino acid with similar properties. This amino acid position is not well conserved in available vertebrate species. In addition, the in silico prediction for this alteration is inconclusive. Based on the available evidence, the clinical significance of this variant remains unclear.

GeneDx
Classification: Uncertain significance. Last evaluated: 2023-08-16. Review status: criteria provided, single submitter. Criteria: GeneDx Variant Classification Process June 2021. Collection method: clinical testing. Allele origin: germline. Affected: yes.
Comment: Not observed at significant frequency in large population cohorts (gnomAD); In silico analysis supports that this missense variant does not alter protein structure/function; Observed in an individual with acute myeloid leukemia (Zhang et al., 2015); This variant is associated with the following publications: (PMID: 12019211, 17531815, 21120944, 26580448, 35451682)

All of Us Research Program, National Institutes of Health
Classification: Uncertain significance for Lynch syndrome. Last evaluated: 2023-08-15. Review status: criteria provided, single submitter. Criteria: ACMG Guidelines, 2015. Collection method: clinical testing. Allele origin: germline. Inheritance: Autosomal dominant inheritance. Observed: 3 variant alleles, 3 heterozygotes.
Comment: This missense variant replaces methionine with arginine at codon 1326 of the MSH6 protein. Computational prediction suggests that this variant may not impact protein structure and function (internally defined REVEL score threshold <= 0.5, PMID: 27666373). To our knowledge, functional studies have not been reported for this variant. This variant has not been reported in individuals affected with Lynch syndrome. This variant has been observed in an individual with acute myeloid leukemia (PMID: 26580448). This variant has not been identified in the general population by the Genome Aggregation Database (gnomAD). The available evidence is insufficient to determine the role of this variant in disease conclusively. Therefore, this variant is classified as a Variant of Uncertain Significance.

This study involves interpretation of variants in research participants for the purpose of population health screening. Participant phenotype was not available at the time of variant classification. Additional details can be found in publication PMID: 35346344, PMCID: PMC8962531

Literature cited by the submitters: PubMed 26580448 (cited by All of Us Research Program, National Institutes of Health).